The following is an entry in ClinVar:

NM_000152.5(GAA):c.2190-4G>A

Gene: GAA (alpha glucosidase; plus strand). Cytogenetic location: 17q25.3.
Variant type: single nucleotide variant.
Coding change: c.2190-4G>A on transcript NM_000152.5 (MANE Select); 4 bases into the intron before coding-DNA position 2190, G replaced by A.
Molecular consequence: intron variant.
Genome position (GRCh38, 1-based): chr17:80,116,964, G>A. VCF-style: chr17-80116964-G-A. GRCh37 (hg19) VCF-style: chr17-78090763-G-A.
Other names: c.2190-4G>A (LRG_673t1, NM_001079803.3, NM_001079804.3 and 1 more transcripts).
Identifiers: ClinVar variation 456393 (VCV000456393.66), dbSNP rs759974338, ClinGen allele CA8815653.

ClinVar aggregate classification (germline): Conflicting classifications of pathogenicity. Review status: criteria provided, conflicting classifications (1 of 4 stars). 10 submissions from 10 submitters: Uncertain significance (2); Likely benign (6). 2 of the submissions do not count toward it. Last evaluated 2026-01-12.

Conditions:
GAA-related disorder. Also called: GAA-related condition.
Cardiovascular phenotype. Identifiers: MedGen CN230736.
Glycogen storage disease, type II (IOPD). Also called: POMPE DISEASE, INFANTILE-ONSET; GLYCOGEN STORAGE DISEASE II, INFANTILE-ONSET; ACID ALPHA-GLUCOSIDASE DEFICIENCY, INFANTILE-ONSET; GAA DEFICIENCY, INFANTILE-ONSET; ACID MALTASE DEFICIENCY, INFANTILE-ONSET; Glucosidase acid-1,4-alpha deficiency. Identifiers: Orphanet 365, MedGen C0017921, MONDO:0009290, OMIM 232300.

Allele frequency attached by ClinVar (database versions not stated): gnomAD 0.00002 and 0.00003; ExAC 0.00003; gnomAD exomes 0.00005 and 0.00008; TOPMed 0.00006.

Submissions (10):

Labcorp Genetics (formerly Invitae), Labcorp
Classification: Likely benign for Glycogen storage disease, type II. Last evaluated: 2026-01-12. Review status: criteria provided, single submitter. Criteria: Invitae Variant Classification Sherloc (09022015). Collection method: clinical testing. Allele origin: germline.

Women's Health and Genetics/Laboratory Corporation of America, LabCorp
Classification: Likely benign. Last evaluated: 2025-04-23. Review status: criteria provided, single submitter. Criteria: LabCorp Variant Classification Summary - May 2015. Collection method: clinical testing. Allele origin: germline.

Blueprint Genetics
Classification: Likely benign. Last evaluated: 2024-09-25. Review status: criteria provided, single submitter. Criteria: ACMG Guidelines, 2015. Collection method: clinical testing. Allele origin: germline.

Ambry Genetics
Classification: Likely benign for Cardiovascular phenotype. Last evaluated: 2023-10-06. Review status: criteria provided, single submitter. Criteria: Ambry Variant Classification Scheme 2023. Collection method: clinical testing. Allele origin: germline.

Genome-Nilou Lab
Classification: Uncertain significance for Glycogen storage disease, type II. Last evaluated: 2021-07-22. Review status: criteria provided, single submitter. Criteria: ACMG Guidelines, 2015. Collection method: clinical testing. Allele origin: germline. Affected: no.

GeneDx
Classification: Likely benign. Last evaluated: 2021-03-25. Review status: criteria provided, single submitter. Criteria: GeneDx Variant Classification Process June 2021. Collection method: clinical testing. Allele origin: germline. Affected: yes.
Comment: In silico analysis supports that this variant does not alter splicing; Nucleotide substitution has no predicted effect on splicing and is not conserved across species

Broad Center for Mendelian Genomics, Broad Institute of MIT and Harvard
Classification: Likely benign for Glycogen storage disease, type II. Last evaluated: 2020-01-22. Review status: criteria provided, single submitter. Criteria: ACMG Guidelines, 2015. Collection method: curation. Allele origin: germline. Inheritance: Autosomal recessive inheritance.
Comment: The c.2190-4G>A variant in GAA has not been previously reported in individuals with Glycogen Storage Disease II but has been reported as a VUS (by Integrated Genetics and EGL Genetic Diagnostics) and a likely benign variant (by GeneDx and Invitae) in ClinVar (Variation ID: 456393). This variant has been identified in 0.02982% (3/10062) of Ashkenazi Jewish chromosomes and 0.02603% (9/34578) of Latino chromosomes by the Genome Aggregation Database (gnomAD; dbSNP rs759974338). Although this variant has been seen in the general population, its frequency is low enough to be consistent with a recessive carrier frequency. This variant is located in the 3' plice region. Computational prediction tools, including splice predictors, and conservation analyses suggest that this variant may not impact the protein, though this information is not predictive enough to rule out pathogenicity. Novel synonymous variants supported by computational evidence without raised suspicion for an impact are likely benign (Richards 2015). In summary, although additional studies are required to fully establish its clinical significance, this variant is likely benign. ACMG/AMP Criteria applied: PM2, BP7, BP4 (Richards 2015).

Eurofins Ntd Llc (ga)
Classification: Uncertain significance. Last evaluated: 2016-11-02. Review status: criteria provided, single submitter. Criteria: EGL Classification Definitions 2015. Collection method: clinical testing. Allele origin: germline. Observed: 1 variant allele, 1 heterozygote.

Natera, Inc.
Classification: Uncertain significance for Glycogen storage disease type II. Last evaluated: 2020-01-24. Review status: no assertion criteria provided. Collection method: clinical testing. Allele origin: germline. Not counted in ClinVar's aggregate classification.

PreventionGenetics, part of Exact Sciences
Classification: Likely benign for GAA-related condition. Last evaluated: 2019-04-12. Review status: no assertion criteria provided. Collection method: clinical testing. Allele origin: germline. Not counted in ClinVar's aggregate classification.
Comment: This variant is classified as likely benign based on ACMG/AMP sequence variant interpretation guidelines (Richards et al. 2015 PMID: 25741868, with internal and published modifications).